The following is an entry in ClinVar:

ClinVar aggregate classification (germline): Uncertain significance. Review status: criteria provided, multiple submitters, no conflicts (2 of 4 stars). 5 submissions from 5 submitters: Uncertain significance (5). Last evaluated 2026-10-02.

Conditions:
Inborn genetic diseases. Identifiers: MedGen C0950123, MeSH D030342.
Microcephalic primordial dwarfism due to RTTN deficiency (MSSP). Also called: Microcephaly, short stature, and polymicrogyria with or without seizures; MICROCEPHALY, SHORT STATURE, AND POLYMICROGYRIA. Identifiers: Orphanet 468631, MedGen C3553831, MONDO:0018764, OMIM 614833.

Allele frequency attached by ClinVar (database versions not stated): ESP Exome Variant Server 0.00067; ExAC 0.00018; TOPMed 0.00042; gnomAD exomes 0.00068 and 0.00024; gnomAD 0.00037.
gnomAD v4.1: 1,081 of 1,613,780 alleles (0.067%); highest among the groups gnomAD compares: Non-Finnish European, 0.085%; 2 homozygotes.

Submissions (5):

GeneDx
Classification: Uncertain significance. Last evaluated: 2026-10-02. Review status: criteria provided, single submitter. Criteria: GeneDx Variant Classification Process June 2021. Collection method: clinical testing. Allele origin: germline.
Comment: In silico analysis suggests that this missense variant does not alter protein structure/function; Has not been previously published as pathogenic or benign to our knowledge

Labcorp Genetics (formerly Invitae), Labcorp
Classification: Uncertain significance. Last evaluated: 2022-08-15. Review status: criteria provided, single submitter. Criteria: Invitae Variant Classification Sherloc (09022015). Collection method: clinical testing. Allele origin: germline.
Comment: This sequence change replaces glutamine, which is neutral and polar, with histidine, which is basic and polar, at codon 1972 of the RTTN protein (p.Gln1972His). This variant is present in population databases (rs201267273, gnomAD 0.05%). This variant has not been reported in the literature in individuals affected with RTTN-related conditions. ClinVar contains an entry for this variant (Variation ID: 436606). Algorithms developed to predict the effect of missense changes on protein structure and function (SIFT, PolyPhen-2, Align-GVGD) all suggest that this variant is likely to be tolerated. In summary, the available evidence is currently insufficient to determine the role of this variant in disease. Therefore, it has been classified as a Variant of Uncertain Significance.

Revvity Omics, Revvity
Classification: Uncertain significance for Microcephalic primordial dwarfism due to RTTN deficiency. Last evaluated: 2021-12-22. Review status: criteria provided, single submitter. Criteria: ACMG Guidelines, 2015. Collection method: clinical testing. Allele origin: germline.

Ambry Genetics
Classification: Uncertain significance for Inborn genetic diseases. Last evaluated: 2021-07-14. Review status: criteria provided, single submitter. Criteria: Ambry Variant Classification Scheme 2023. Collection method: clinical testing. Allele origin: germline.

Genetic Services Laboratory, University of Chicago
Classification: Uncertain significance. Last evaluated: 2015-09-14. Review status: criteria provided, single submitter. Criteria: ACMG Guidelines, 2015. Collection method: clinical testing. Allele origin: germline. Affected: no.

NM_173630.4(RTTN):c.5916G>C (p.Gln1972His)

Gene: RTTN (rotatin; minus strand). Cytogenetic location: 18q22.2.
Variant type: single nucleotide variant.
Coding change: c.5916G>C on transcript NM_173630.4 (MANE Select); coding-DNA position 5916, G replaced by C.
Protein change: p.Gln1972His; replaces glutamine 1972 with histidine.
Molecular consequence: missense variant.
Genome position (GRCh38, 1-based): chr18:70,024,756, C>G on the plus strand (G>C on the coding strand, the complement: RTTN is on the minus strand). VCF-style: chr18-70024756-C-G. GRCh37 (hg19) VCF-style: chr18-67691992-C-G.
Other names: c.3180G>C, p.Gln1060His (NM_001318520.2); short protein forms Q1972H, Q1060H.
Identifiers: ClinVar variation 436606 (VCV000436606.16), dbSNP rs201267273, ClinGen allele CA8994814.